The following is an entry in ClinVar:

ClinVar aggregate classification (germline): Benign/Likely benign. Review status: criteria provided, multiple submitters, no conflicts (2 of 4 stars). 2 submissions from 2 submitters: Benign (1); Likely benign (1). Last evaluated 2026-04-01.

Allele frequency attached by ClinVar (database versions not stated): gnomAD exomes 0.00005 and 0.00028; gnomAD 0.00007; TOPMed 0.00020; 1000 Genomes Project 30x 0.00021; ExAC 0.00023.
gnomAD v4.1: 65 of 1,209,699 alleles (0.0054%); highest among the groups gnomAD compares: Admixed American, 0.12%; no homozygotes.

Submissions (2):

CeGaT Center for Human Genetics Tuebingen
Classification: Likely benign. Last evaluated: 2026-04-01. Review status: criteria provided, single submitter. Criteria: CeGaT Center For Human Genetics Tuebingen Variant Classification Criteria Version 2. Collection method: clinical testing. Allele origin: germline. Affected: yes. Observed: 1 variant allele.
Comment: TAF1: BP4, BP7, BS2

Labcorp Genetics (formerly Invitae), Labcorp
Classification: Benign. Last evaluated: 2025-05-21. Review status: criteria provided, single submitter. Criteria: Invitae Variant Classification Sherloc (09022015). Collection method: clinical testing. Allele origin: germline.

NM_004606.5(TAF1):c.4296C>T (p.Arg1432=)

Gene: TAF1 (TATA-box binding protein associated factor 1; plus strand). Cytogenetic location: Xq13.1.
Variant type: single nucleotide variant.
Coding change: c.4296C>T on transcript NM_004606.5 (MANE Select); coding-DNA position 4296, C replaced by T.
Protein change: p.Arg1432=; no amino-acid change (arginine 1432 retained).
Molecular consequence: synonymous variant. On other transcripts: non-coding transcript variant (9).
Genome position (GRCh38, 1-based): chrX:71,408,063, C>T. VCF-style: chrX-71408063-C-T. GRCh37 (hg19) VCF-style: chrX-70627913-C-T.
Other names: c.4296C>T, p.Arg1432= (NM_001286074.2); c.4233C>T, p.Arg1411= (NM_138923.4).
Identifiers: ClinVar variation 705741 (VCV000705741.11), dbSNP rs751992377, ClinGen allele CA10447144.